The following is an entry in ClinVar:

NM_000593.6(TAP1):c.1613G>A (p.Gly538Glu)

Gene: TAP1 (transporter 1, ATP binding cassette subfamily B member; minus strand). Cytogenetic location: 6p21.32.
Variant type: single nucleotide variant.
Coding change: c.1613G>A on transcript NM_000593.6 (MANE Select); coding-DNA position 1613, G replaced by A.
Protein change: p.Gly538Glu; replaces glycine 538 with glutamic acid.
Molecular consequence: missense variant.
Genome position (GRCh38, 1-based): chr6:32,848,046, C>T on the plus strand (G>A on the coding strand, the complement: TAP1 is on the minus strand). VCF-style: chr6-32848046-C-T. GRCh37 (hg19) VCF-style: chr6-32815823-C-T.
Other names: c.1010G>A, p.Gly337Glu (NM_001292022.2); short protein forms G337E, G538E.
Identifiers: ClinVar variation 3642659 (VCV003642659.2).

ClinVar aggregate classification (germline): Uncertain significance (1 of 4 stars; one submission).

Conditions:
MHC class I deficiency. Identifiers: Orphanet 34592, MedGen C6024714, MONDO:0011476.

Submission:

Labcorp Genetics (formerly Invitae), Labcorp
Classification: Uncertain significance for MHC class I deficiency 1. Last evaluated: 2024-02-22. Review status: criteria provided, single submitter. Criteria: Invitae Variant Classification Sherloc (09022015). Collection method: clinical testing. Allele origin: germline.
Comment: This sequence change replaces glycine, which is neutral and non-polar, with glutamic acid, which is acidic and polar, at codon 598 of the TAP1 protein (p.Gly598Glu). This variant is not present in population databases (gnomAD no frequency). This variant has not been reported in the literature in individuals affected with TAP1-related conditions. An algorithm developed to predict the effect of missense changes on protein structure and function (PolyPhen-2) suggests that this variant is likely to be disruptive. In summary, the available evidence is currently insufficient to determine the role of this variant in disease. Therefore, it has been classified as a Variant of Uncertain Significance.